The following is an entry in ClinVar:

ClinVar aggregate classification (germline): Uncertain significance. Review status: criteria provided, multiple submitters, no conflicts (2 of 4 stars). 2 submissions from 2 submitters: Uncertain significance (2). Last evaluated 2024-10-07.

Conditions:
Hereditary cancer-predisposing syndrome. Also called: Neoplastic Syndromes, Hereditary; Tumor predisposition; Hereditary neoplastic syndrome; Hereditary Cancer Syndrome. Identifiers: Orphanet 140162, MedGen C0027672, MeSH D009386, MONDO:0015356.

Submissions (2):

GeneDx
Classification: Uncertain significance. Last evaluated: 2024-10-07. Review status: criteria provided, single submitter. Criteria: GeneDx Variant Classification Process June 2021. Collection method: clinical testing. Allele origin: germline. Affected: yes.
Comment: Not observed at significant frequency in large population cohorts (gnomAD); In silico analysis indicates that this missense variant does not alter protein structure/function; Has not been previously published as pathogenic or benign to our knowledge

Ambry Genetics
Classification: Uncertain significance for Hereditary cancer-predisposing syndrome. Last evaluated: 2023-11-15. Review status: criteria provided, single submitter. Criteria: Ambry Variant Classification Scheme 2023. Collection method: clinical testing. Allele origin: germline.
Comment: The p.F1323L variant (also known as c.3969T>G), located in coding exon 23 of the PTCH1 gene, results from a T to G substitution at nucleotide position 3969. The phenylalanine at codon 1323 is replaced by leucine, an amino acid with highly similar properties. This amino acid position is conserved. In addition, this alteration is predicted to be deleterious by in silico analysis. Since supporting evidence is limited at this time, the clinical significance of this alteration remains unclear.

NM_000264.5(PTCH1):c.3969T>G (p.Phe1323Leu)

Gene: PTCH1 (patched 1; minus strand). Cytogenetic location: 9q22.32.
Variant type: single nucleotide variant.
Coding change: c.3969T>G on transcript NM_000264.5 (MANE Select); coding-DNA position 3969, T replaced by G.
Protein change: p.Phe1323Leu; replaces phenylalanine 1323 with leucine.
Molecular consequence: missense variant. On other transcripts: non-coding transcript variant (1).
Genome position (GRCh38, 1-based): chr9:95,447,287, A>C on the plus strand (T>G on the coding strand, the complement: PTCH1 is on the minus strand). VCF-style: chr9-95447287-A-C. GRCh37 (hg19) VCF-style: chr9-98209569-A-C.
Other names: c.3771T>G, p.Phe1257Leu (NM_001083602.3); c.3966T>G, p.Phe1322Leu (NM_001083603.3); c.3516T>G, p.Phe1172Leu (NM_001083604.3, NM_001083605.3, NM_001083606.3 and 1 more transcripts); c.3813T>G, p.Phe1271Leu (NM_001354918.2); short protein forms F1172L, F1257L, F1271L, F1322L, F1323L.
Identifiers: ClinVar variation 3231036 (VCV003231036.2), dbSNP rs2136580433, ClinGen allele CA374110569.
Genomic context (GRCh38, chr9:95,447,287, plus strand): 5'-CCCGCGAGGGCCCCAGCGGGCCCTATTGCTAGGGCCAGAATGCCCTTCAGTAGAAATTTC[A>C]AAAGCGTCTCTGCGCGGTCTGTAGGGGGGTGGCCACAAGCCTTCTCTGGGGGGGTCCCTG-3'
Protein context (NP_000255.2, residues 1313-1333): PPPYRPRRDA[Phe1323Leu]EISTEGHSGP